The following is an entry in ClinVar:

NM_001379200.1(TBX1):c.364C>T (p.Gln122Ter)

Gene: TBX1 (T-box transcription factor 1; plus strand). Cytogenetic location: 22q11.21.
Variant type: single nucleotide variant.
Coding change: c.364C>T on transcript NM_001379200.1 (MANE Select); coding-DNA position 364, C replaced by T.
Protein change: p.Gln122Ter; replaces glutamine 122 with a stop codon.
Molecular consequence: nonsense.
Genome position (GRCh38, 1-based): chr22:19,761,207, C>T. VCF-style: chr22-19761207-C-T. GRCh37 (hg19) VCF-style: chr22-19748730-C-T.
Other names: c.337C>T, p.Gln113Ter (NM_005992.1, NM_080646.2, NM_080647.1); short protein forms Q113*, Q122*.
Identifiers: ClinVar variation 3389752 (VCV003389752.14).

ClinVar aggregate classification (germline): Pathogenic (1 of 4 stars; one submission).

gnomAD v4.1: 1 of 1,564,952 alleles (0.000064%); highest among the groups gnomAD compares: African/African-American, 0.0014%; no homozygotes.

Submission:

CeGaT Center for Human Genetics Tuebingen
Classification: Pathogenic. Last evaluated: 2024-09-01. Review status: criteria provided, single submitter. Criteria: CeGaT Center For Human Genetics Tuebingen Variant Classification Criteria Version 2. Collection method: clinical testing. Allele origin: germline. Affected: yes. Observed: 1 variant allele.
Comment: TBX1: PVS1, PM2